The following is an entry in ClinVar:

ClinVar aggregate classification (germline): Likely benign (1 of 4 stars; one submission).

Allele frequency attached by ClinVar (database versions not stated): gnomAD exomes below 0.00001.
gnomAD v4.1: 1 of 1,614,192 alleles (0.000062%); highest among the groups gnomAD compares: Non-Finnish European, 0.000085%; no homozygotes.

Submission:

CeGaT Center for Human Genetics Tuebingen
Classification: Likely benign. Last evaluated: 2023-08-01. Review status: criteria provided, single submitter. Criteria: CeGaT Center For Human Genetics Tuebingen Variant Classification Criteria Version 2. Collection method: clinical testing. Allele origin: germline. Affected: yes. Observed: 1 variant allele.
Comment: STAT2: BP4, BP7

NM_005419.4(STAT2):c.1776G>A (p.Lys592=)

Gene: STAT2 (signal transducer and activator of transcription 2; minus strand). Cytogenetic location: 12q13.3.
Variant type: single nucleotide variant.
Coding change: c.1776G>A on transcript NM_005419.4 (MANE Select); coding-DNA position 1776, G replaced by A.
Protein change: p.Lys592=; no amino-acid change (lysine 592 retained).
Molecular consequence: synonymous variant.
Genome position (GRCh38, 1-based): chr12:56,346,904, C>T on the plus strand (G>A on the coding strand, the complement: STAT2 is on the minus strand). VCF-style: chr12-56346904-C-T. GRCh37 (hg19) VCF-style: chr12-56740688-C-T.
Other names: c.1743G>A, p.Lys581= (NM_001385110.1); c.1677G>A, p.Lys559= (NM_001385111.1); c.1776G>A, p.Lys592= (NM_001385113.1); c.1755G>A, p.Lys585= (NM_001385114.1); c.1734G>A, p.Lys578= (NM_001385115.1); c.1764G>A, p.Lys588= (NM_198332.2).
Identifiers: ClinVar variation 2643091 (VCV002643091.24), dbSNP rs1238799933, ClinGen allele CA480211117.